The following is an entry in ClinVar:

ClinVar aggregate classification (germline): Uncertain significance (1 of 4 stars; one submission).

Conditions:
Charcot-Marie-Tooth disease axonal type 2Z. Also called: CHARCOT-MARIE-TOOTH DISEASE, AXONAL, AUTOSOMAL DOMINANT, TYPE 2Z; CHARCOT-MARIE-TOOTH NEUROPATHY, TYPE 2Z. Identifiers: Orphanet 466768, MedGen C5569025, MONDO:0014736, OMIM 616688.

Allele frequency attached by ClinVar (database versions not stated): gnomAD exomes below 0.00001.
gnomAD v4.1: 1 of 1,607,600 alleles (0.000062%); highest among the groups gnomAD compares: Non-Finnish European, 0.000085%; no homozygotes.

Submission:

Labcorp Genetics (formerly Invitae), Labcorp
Classification: Uncertain significance for Charcot-Marie-Tooth disease axonal type 2Z. Last evaluated: 2022-05-25. Review status: criteria provided, single submitter. Criteria: Invitae Variant Classification Sherloc (09022015). Collection method: clinical testing. Allele origin: germline.
Comment: This sequence change replaces isoleucine, which is neutral and non-polar, with threonine, which is neutral and polar, at codon 140 of the MORC2 protein (p.Ile140Thr). This variant is not present in population databases (gnomAD no frequency). This variant has not been reported in the literature in individuals affected with MORC2-related conditions. Advanced modeling of protein sequence and biophysical properties (such as structural, functional, and spatial information, amino acid conservation, physicochemical variation, residue mobility, and thermodynamic stability) performed at Invitae indicates that this missense variant is expected to disrupt MORC2 protein function. In summary, the available evidence is currently insufficient to determine the role of this variant in disease. Therefore, it has been classified as a Variant of Uncertain Significance.

NM_001303256.3(MORC2):c.419T>C (p.Ile140Thr)

Gene: MORC2 (MORC family CW-type zinc finger 2; minus strand). Cytogenetic location: 22q12.2.
Variant type: single nucleotide variant.
Coding change: c.419T>C on transcript NM_001303256.3 (MANE Select); coding-DNA position 419, T replaced by C.
Protein change: p.Ile140Thr; replaces isoleucine 140 with threonine.
Molecular consequence: missense variant.
Genome position (GRCh38, 1-based): chr22:30,946,348, A>G on the plus strand (T>C on the coding strand, the complement: MORC2 is on the minus strand). VCF-style: chr22-30946348-A-G. GRCh37 (hg19) VCF-style: chr22-31342335-A-G.
Other names: c.419T>C, p.Ile140Thr (NM_001303257.2); c.233T>C, p.Ile78Thr (NM_014941.3); short protein forms I78T, I140T.
Identifiers: ClinVar variation 1998650 (VCV001998650.4), dbSNP rs2517614031, ClinGen allele CA411244709.
Genomic context (GRCh38, chr22:30,946,348, plus strand): 5'-GGCAGACTCAGGAAATGAGGACTGGTGATGCAGACCACGATGATGGGACCTACTTCATCA[A>G]TGCCTTCTTCCTCATGAAACGTGCGAGACAGGAAGAGGCAGGTCATGGTGTCTTCCTTCT-3'
Protein context (NP_001290185.1, residues 130-150): LSRTFHEEEG[Ile140Thr]DEVIVPLPTW